The following is an entry in ClinVar:

ClinVar aggregate classification (germline): Uncertain significance (1 of 4 stars; one submission).

Conditions:
Congenital contractural arachnodactyly (CCA). Also called: BEALS SYNDROME; Arthrogryposis, distal, type 9; Beals-Hecht syndrome. Identifiers: Orphanet 115, MedGen C0220668, MONDO:0007363, OMIM 121050.

Submission:

Labcorp Genetics (formerly Invitae), Labcorp
Classification: Uncertain significance for Congenital contractural arachnodactyly. Last evaluated: 2025-05-22. Review status: criteria provided, single submitter. Criteria: Invitae Variant Classification Sherloc (09022015). Collection method: clinical testing. Allele origin: germline.
Comment: This sequence change replaces glycine, which is neutral and non-polar, with tryptophan, which is neutral and slightly polar, at codon 2 of the FBN2 protein (p.Gly2Trp). The frequency data for this variant in the population databases is considered unreliable, as metrics indicate poor data quality at this position in the gnomAD database. This variant has not been reported in the literature in individuals affected with FBN2-related conditions. Invitae Evidence Modeling of protein sequence and biophysical properties (such as structural, functional, and spatial information, amino acid conservation, physicochemical variation, residue mobility, and thermodynamic stability) indicates that this missense variant is not expected to disrupt FBN2 protein function with a negative predictive value of 95%. In summary, the available evidence is currently insufficient to determine the role of this variant in disease. Therefore, it has been classified as a Variant of Uncertain Significance.

NM_001999.4(FBN2):c.4G>T (p.Gly2Trp)

Gene: FBN2 (fibrillin 2; minus strand). Cytogenetic location: 5q23.3.
Variant type: single nucleotide variant.
Coding change: c.4G>T on transcript NM_001999.4 (MANE Select); coding-DNA position 4, G replaced by T.
Protein change: p.Gly2Trp; replaces glycine 2 with tryptophan.
Molecular consequence: missense variant.
Genome position (GRCh38, 1-based): chr5:128,537,600, C>A on the plus strand (G>T on the coding strand, the complement: FBN2 is on the minus strand). VCF-style: chr5-128537600-C-A. GRCh37 (hg19) VCF-style: chr5-127873293-C-A.
Other names: short protein forms G2W.
Identifiers: ClinVar variation 4809747 (VCV004809747.1).
Genomic context (GRCh38, chr5:128,537,600, plus strand): 5'-AGAGCACCACACAGCCCAGCCACAGGAAGTAGAGCTGGAGACACAGCCTCCGTCTTCTCC[C>A]CATCGCCGGCGCCGAAAGCGCGCGGCCGTAGACCCGCGGAGAGGGAGTGATCAAAGACAA-3'
Protein context (NP_001990.2, residues 1-12): M[Gly2Trp]RRRRLCLQLY